The following is an entry in ClinVar:

NM_021153.4(CDH19):c.579C>T (p.Gly193=)

Gene: CDH19 (cadherin 19; minus strand). Cytogenetic location: 18q22.1.
Variant type: single nucleotide variant.
Coding change: c.579C>T on transcript NM_021153.4 (MANE Select); coding-DNA position 579, C replaced by T.
Protein change: p.Gly193=; no amino-acid change (glycine 193 retained).
Molecular consequence: synonymous variant. On other transcripts: non-coding transcript variant (1).
Genome position (GRCh38, 1-based): chr18:66,554,436, G>A on the plus strand (C>T on the coding strand, the complement: CDH19 is on the minus strand). VCF-style: chr18-66554436-G-A. GRCh37 (hg19) VCF-style: chr18-64221673-G-A.
Other names: c.579C>T, p.Gly193= (NM_001271028.2).
Identifiers: ClinVar variation 2636525 (VCV002636525.1), dbSNP rs763770985, ClinGen allele CA8992140.

ClinVar aggregate classification (germline): Uncertain significance (1 of 4 stars; one submission).

Conditions:
CDH19-related disorder. Also called: CDH19-related condition.

Allele frequency attached by ClinVar (database versions not stated): ExAC 0.00001; TOPMed 0.00001.
gnomAD v4.1: 3 of 1,611,698 alleles (0.00019%); highest among the groups gnomAD compares: Admixed American, 0.005%; no homozygotes.

Submission:

PreventionGenetics, part of Exact Sciences
Classification: Uncertain significance for CDH19-related condition. Last evaluated: 2022-12-22. Review status: criteria provided, single submitter. Criteria: ACMG Guidelines, 2015. Collection method: clinical testing. Allele origin: germline.
Comment: The CDH19 c.579C>T variant is not predicted to result in an amino acid change (p.=). Based on available splicing prediction programs (Alamut Visual Plus v1.6.1) this variant is predicted to create a cryptic splice donor site; however, to date this prediction has not been proven by functional studies.To our knowledge, this variant has not been reported in the literature. This variant is reported in 0.0087% of alleles in individuals of Latino descent in gnomAD. At this time, the clinical significance of this variant is uncertain due to the absence of conclusive functional and genetic evidence.